The following is an entry in ClinVar:

ClinVar aggregate classification (germline): Benign. Review status: criteria provided, multiple submitters, no conflicts (2 of 4 stars). 4 submissions from 4 submitters: Benign (4). Last evaluated 2026-01-24.

Allele frequency attached by ClinVar (database versions not stated): gnomAD exomes 0.00110 and 0.00268; ExAC 0.00358; gnomAD 0.01057 and 0.01121; TOPMed 0.01206; ESP Exome Variant Server 0.01284; 1000 Genomes Project 0.01318; 1000 Genomes Project 30x 0.01452.
gnomAD v4.1: 3,326 of 1,614,144 alleles (0.21%); highest among the groups gnomAD compares: African/African-American, 3.8%; 82 homozygotes.

Submissions (4):

Labcorp Genetics (formerly Invitae), Labcorp
Classification: Benign. Last evaluated: 2026-01-24. Review status: criteria provided, single submitter. Criteria: Invitae Variant Classification Sherloc (09022015). Collection method: clinical testing. Allele origin: germline.

Women's Health and Genetics/Laboratory Corporation of America, LabCorp
Classification: Benign. Last evaluated: 2026-01-22. Review status: criteria provided, single submitter. Criteria: LabCorp Variant Classification Summary - May 2015. Collection method: clinical testing. Allele origin: germline.

Mayo Clinic Laboratories, Mayo Clinic
Classification: Benign. Last evaluated: 2023-11-15. Review status: criteria provided, single submitter. Criteria: ACMG Guidelines, 2015. Collection method: clinical testing. Allele origin: germline. Observed: 9 variant alleles.
Comment: BS1, BS2, BP4, BP7

Breakthrough Genomics
Classification: Benign. Review status: criteria provided, single submitter. Criteria: ACMG Guidelines, 2015. Collection method: not provided. Allele origin: germline. Inheritance: Autosomal recessive inheritance. Affected: yes.

NM_001557.4(CXCR2):c.669A>G (p.Pro223=)

Gene: CXCR2 (C-X-C motif chemokine receptor 2; plus strand). Cytogenetic location: 2q35.
Variant type: single nucleotide variant.
Coding change: c.669A>G on transcript NM_001557.4 (MANE Select); coding-DNA position 669, A replaced by G.
Protein change: p.Pro223=; no amino-acid change (proline 223 retained).
Molecular consequence: synonymous variant.
Genome position (GRCh38, 1-based): chr2:218,135,470, A>G. VCF-style: chr2-218135470-A-G. GRCh37 (hg19) VCF-style: chr2-219000193-A-G.
Other names: p.Pro223=; c.669A>G, p.Pro223= (NM_001168298.2).
Identifiers: ClinVar variation 779320 (VCV000779320.14), dbSNP rs2228414, ClinGen allele CA2101748.